The following is an entry in ClinVar:

NM_015898.4(ZBTB7A):c.1205G>A (p.Arg402His)

Gene: ZBTB7A (zinc finger and BTB domain containing 7A; minus strand). Cytogenetic location: 19p13.3.
Variant type: single nucleotide variant.
Coding change: c.1205G>A on transcript NM_015898.4 (MANE Select); coding-DNA position 1205, G replaced by A.
Protein change: p.Arg402His; replaces arginine 402 with histidine.
Molecular consequence: missense variant.
Genome position (GRCh38, 1-based): chr19:4,054,028, C>T on the plus strand (G>A on the coding strand, the complement: ZBTB7A is on the minus strand). VCF-style: chr19-4054028-C-T. GRCh37 (hg19) VCF-style: chr19-4054026-C-T.
Other names: c.1205G>A, p.Arg402His (NM_001317990.2); short protein forms R402H.
Identifiers: ClinVar variation 4886090 (VCV004886090.2).

ClinVar aggregate classification (germline): Uncertain significance (1 of 4 stars; one submission).

Submission:

Dasa
Classification: Uncertain significance. Last evaluated: 2025-12-11. Review status: criteria provided, single submitter. Criteria: DASA Assertion Criteria. Collection method: clinical testing. Allele origin: germline.
Comment: NM_015898.4(ZBTB7A):c.1205G>A (p.Arg402His) is a missense variant that results in the substitution of arginine with histidine. Functional evidence supports an impact on the gene or gene product. This variant has been reported in individuals with ZBTB7A-related disorders (PMID: 26455326). Also, this variant is absent from population databases. The currently available literature and clinical evidence are not sufficient to establish a definitive association between this variant and the reported condition. Therefore, this variant is classified as a variant of uncertain significance.

Literature cited by the submitters: PubMed 26455326; PubMed 36626981; PubMed 34515416.